The following is an entry in ClinVar:

ClinVar aggregate classification (germline): Likely benign (1 of 4 stars; one submission).

Allele frequency attached by ClinVar (database versions not stated): ExAC 0.00008; gnomAD 0.00042; TOPMed 0.00054; 1000 Genomes Project 30x 0.00187; 1000 Genomes Project 0.00200.
gnomAD v4.1: 574 of 1,534,000 alleles (0.037%); highest among the groups gnomAD compares: East Asian, 1.2%; 5 homozygotes.

Submission:

CeGaT Center for Human Genetics Tuebingen
Classification: Likely benign. Last evaluated: 2022-11-01. Review status: criteria provided, single submitter. Criteria: CeGaT Center For Human Genetics Tuebingen Variant Classification Criteria Version 2. Collection method: clinical testing. Allele origin: germline. Affected: yes. Observed: 1 variant allele.
Comment: ZFHX2: BP4, BP7, BS1

NM_033400.3(ZFHX2):c.3219C>A (p.Pro1073=)

Genes: THTPA (thiamine triphosphatase; plus strand), ZFHX2 (zinc finger homeobox 2; minus strand). Cytogenetic location: 14q11.2.
Variant type: single nucleotide variant.
Coding change: c.3219C>A on transcript NM_033400.3 (MANE Select); coding-DNA position 3219, C replaced by A.
Protein change: p.Pro1073=; no amino-acid change (proline 1073 retained).
Molecular consequence: synonymous variant.
Genome position (GRCh38, 1-based): chr14:23,526,890, G>T on the plus strand (C>A on the coding strand, the complement: ZFHX2 is on the minus strand). VCF-style: chr14-23526890-G-T. GRCh37 (hg19) VCF-style: chr14-23996099-G-T.
Identifiers: ClinVar variation 2644114 (VCV002644114.24), dbSNP rs184266886, ClinGen allele CA7117001.